The following is an entry in ClinVar:

ClinVar aggregate classification (germline): Conflicting classifications of pathogenicity. Review status: criteria provided, conflicting classifications (1 of 4 stars). 20 submissions from 20 submitters: Uncertain significance (5); Benign (1); Likely benign (11). 3 of the submissions do not count toward it. Last evaluated 2026-05-01.

Conditions:
Hereditary nonpolyposis colon cancer (HNPCC). Also called: Hereditary nonpolyposis colorectal cancer; Familial nonpolyposis colon cancer; Hereditary Nonpolyposis Colorectal Cancer Syndrome. Identifiers: Orphanet 443909, MedGen C1333990, MONDO:0018630. Disease mechanism: loss of function.
PMS2-related disorder. Also called: PMS2-related condition.
Hereditary nonpolyposis colorectal neoplasms. Identifiers: MedGen C0009405, MeSH D003123.
Breast and/or ovarian cancer. Identifiers: MedGen CN221562.
Hereditary cancer-predisposing syndrome. Also called: Tumor predisposition; Hereditary neoplastic syndrome; Neoplastic Syndromes, Hereditary; Hereditary Cancer Syndrome. Identifiers: Orphanet 140162, MedGen C0027672, MeSH D009386, MONDO:0015356.
Lynch syndrome 4 (LYNCH4). Also called: Colorectal cancer, hereditary nonpolyposis, type 4; Hereditary non-polyposis colorectal cancer, type 4. Identifiers: Orphanet 144, MedGen C1838333, MONDO:0013699, OMIM 614337. Disease mechanism: loss of function.
Carcinoma of colon (CRC). Also called: Colon carcinoma; Colonic carcinoma. Identifiers: MedGen C0699790, MONDO:0002032.

Allele frequency attached by ClinVar (database versions not stated): gnomAD exomes 0.00016 and 0.00017; ExAC 0.00019; gnomAD 0.00021; ESP Exome Variant Server 0.00031.
gnomAD v4.1: 270 of 1,613,828 alleles (0.017%); highest among the groups gnomAD compares: South Asian, 0.058%; no homozygotes.

Submissions 1 to 14 of 20:

CeGaT Center for Human Genetics Tuebingen
Classification: Likely benign. Last evaluated: 2026-05-01. Review status: criteria provided, single submitter. Criteria: CeGaT Center For Human Genetics Tuebingen Variant Classification Criteria Version 2. Collection method: clinical testing. Allele origin: germline. Affected: yes. Observed: 8 variant alleles.
Comment: PMS2: BP1, BP4, BP5

Labcorp Genetics (formerly Invitae), Labcorp
Classification: Likely benign for Hereditary nonpolyposis colorectal neoplasms. Last evaluated: 2026-02-03. Review status: criteria provided, single submitter. Criteria: Invitae Variant Classification Sherloc (09022015). Collection method: clinical testing. Allele origin: germline.

Quest Diagnostics Nichols Institute San Juan Capistrano
Classification: Likely benign. Last evaluated: 2025-06-03. Review status: criteria provided, single submitter. Criteria: Quest Diagnostics criteria. Collection method: clinical testing. Allele origin: unknown.

PreventionGenetics, part of Exact Sciences
Classification: Likely benign for PMS2-related condition. Last evaluated: 2025-05-28. Review status: criteria provided, single submitter. Criteria: ACMG Guidelines, 2015. Collection method: clinical testing. Allele origin: germline.
Comment: This variant is classified as likely benign based on ACMG/AMP sequence variant interpretation guidelines (Richards et al. 2015 PMID: 25741868, with internal and published modifications).

Center for Genomic Medicine, Rigshospitalet, Copenhagen University Hospital
Classification: Likely benign. Last evaluated: 2025-03-04. Review status: criteria provided, single submitter. Criteria: ACMG Guidelines, 2015. Collection method: clinical testing. Allele origin: germline.

GeneDx
Classification: Uncertain significance. Last evaluated: 2024-12-11. Review status: criteria provided, single submitter. Criteria: GeneDx Variant Classification Process June 2021. Collection method: clinical testing. Allele origin: germline. Affected: yes.
Comment: In silico analysis indicates that this missense variant does not alter protein structure/function; This variant is associated with the following publications: (PMID: 28135145, 22290698, 15470502, 24728327, 27930734, 32095738, 31992580, 17016615, 26845104, 26976419, 20186688, 26689913, 26232782, 31159747, 31433215, 31391288, 32547938, 28166811, 12900794, 22949379, 34284872, 35449176, 33471991, 30374176, 37937776, 38773787)

Blueprint Genetics
Classification: Likely benign. Last evaluated: 2024-11-26. Review status: criteria provided, single submitter. Criteria: ACMG Guidelines, 2015. Collection method: clinical testing. Allele origin: germline.

Color Diagnostics, LLC DBA Color Health
Classification: Benign for Hereditary cancer-predisposing syndrome. Last evaluated: 2024-10-17. Review status: criteria provided, single submitter. Criteria: ACMG Guidelines, 2015. Collection method: clinical testing. Allele origin: germline.

Hereditary Cancer Laboratory, Hospital Universitario 12 de Octubre
Classification: Likely benign for Hereditary cancer-predisposing syndrome. Last evaluated: 2024-09-16. Review status: criteria provided, single submitter. Criteria: ACMG Guidelines, 2015. Collection method: clinical testing. Allele origin: germline.
Comment: PM2suporting+BP4+BP6

Molecular Pathology, Peter Maccallum Cancer Centre
Classification: Likely benign for Lynch syndrome 4. Last evaluated: 2024-04-14. Review status: criteria provided, single submitter. Criteria: ACMG Guidelines, 2015. Collection method: clinical testing. Allele origin: germline. Inheritance: Autosomal dominant inheritance.

Women's Health and Genetics/Laboratory Corporation of America, LabCorp
Classification: Likely benign. Last evaluated: 2023-12-18. Review status: criteria provided, single submitter. Criteria: LabCorp Variant Classification Summary - May 2015. Collection method: clinical testing. Allele origin: germline.
Comment: Variant summary: PMS2 c.1567T>A (p.Ser523Thr) results in a conservative amino acid change located in the outside of any known functional domain or repeat of the encoded protein sequence. Five of five in-silico tools predict a benign effect of the variant on protein function. The variant allele was found at a frequency of 0.00016 in 251178 control chromosomes, predominantly at a frequency of 0.00046 within the South Asian subpopulation in the gnomAD database. The observed variant frequency within South Asian control individuals in the gnomAD database is approximately 6 fold of the estimated maximal expected allele frequency for a pathogenic variant in PMS2 causing Hereditary Nonpolyposis Colorectal Cancer phenotype (7.1e-05), however this data must be interpreted with caution as the sequencing techology utalized does not distinguish between PMS2 and highly homologous pseudogenes. c.1567T>A has been reported in the literature in individuals affected with Lynch Syndrome and other types of cancer (Nomura_2015, He_2016, Shirts_2016, Tung_2016, Yurgelun_2017, Lu_2015). These report(s) do not provide unequivocal conclusions about association of the variant with Lynch Syndrome. Co-occurrences with other pathogenic variant(s) have been reported (PMS2 c.1492del11; Nomura_2015), providing supporting evidence for a benign role. To our knowledge, no experimental evidence demonstrating an impact on protein function has been reported. The following publications have been ascertained in the context of this evaluation (PMID: 22290698, 26689913, 26845104, 26976419, 27930734, 28135145, 26232782). Fourteen submitters have cited clinical-significance assessments for this variant to ClinVar after 2014 and classified as VUS (n=7) and likely benign (n=7) Based on the evidence outlined above, the variant was classified as likely benign.

Myriad Genetics, Inc.
Classification: Uncertain significance for Lynch syndrome 4. Last evaluated: 2023-04-05. Review status: criteria provided, single submitter. Criteria: Myriad Autosomal Dominant, Autosomal Recessive and X-Linked Classification Criteria (2023). Collection method: clinical testing. Allele origin: unknown.
Comment: This variant is classified as a variant of uncertain significance as there is insufficient evidence to determine its impact on protein function and/or cancer risk.

Sema4
Classification: Uncertain significance for Hereditary cancer-predisposing syndrome. Last evaluated: 2021-12-05. Review status: criteria provided, single submitter. Criteria: Sema4 Curation Guidelines. Collection method: curation. Allele origin: germline.
Comment: The PMS2 c.1567T>A (p.S523T) variant has been reported in heterozygosity in at least four individuals with colorectal cancer (PMID: 31433215, 28135145, 31992580, 26232782). Tumor testing in two of these patients demonstrated microsatelite instability (PMID: 31992580, 26232782) and one demonstrated loss of PMS2 on IHC (PMID: 26232782). However, that patient was also found to have a pathogenic PMS2 variant, c.1492del11. The variant has also been reported in numerous individuals with breast cancer (PMID: 26976419, 31159747, 32547938, 33471991) and healthy individuals without reported cancer histories (PMID: 24728327, 27930734, 33471991). This variant was observed in 14/30616 chromosomes in the South Asian population, with no homozygotes, according to the Genome Aggregation Database (PMID: 32461654). This variant has been reported in ClinVar (Variation ID: 127763). Functional studies have not been performed, and in silico predictions of the variant's effect on protein function are inconclusive. The overall evidence is inconsistent with ACMG/AMP requirements for a classification of benign or pathogenic. In summary, the clinical significance of this variant is currently uncertain.

CHEO Genetics Diagnostic Laboratory, Children's Hospital of Eastern Ontario
Classification: Uncertain significance for Breast and/or ovarian cancer. Last evaluated: 2021-08-18. Review status: criteria provided, single submitter. Criteria: ACMG Guidelines, 2015. Collection method: clinical testing. Allele origin: germline.

NM_000535.7(PMS2):c.1567T>A (p.Ser523Thr)

Gene: PMS2 (PMS1 homolog 2, mismatch repair system component; minus strand). Cytogenetic location: 7p22.1.
Variant type: single nucleotide variant.
Coding change: c.1567T>A on transcript NM_000535.7 (MANE Select); coding-DNA position 1567, T replaced by A.
Protein change: p.Ser523Thr; replaces serine 523 with threonine.
Molecular consequence: missense variant. On other transcripts: non-coding transcript variant (1).
Genome position (GRCh38, 1-based): chr7:5,987,198, A>T on the plus strand (T>A on the coding strand, the complement: PMS2 is on the minus strand). VCF-style: chr7-5987198-A-T. GRCh37 (hg19) VCF-style: chr7-6026829-A-T.
Other names: c.1162T>A, p.Ser388Thr (NM_001322003.2, NM_001322004.2, NM_001322005.2 and 1 more transcripts); c.1411T>A, p.Ser471Thr (NM_001322006.2); c.1249T>A, p.Ser417Thr (NM_001322007.2, NM_001322008.2); c.1006T>A, p.Ser336Thr (NM_001322010.2); c.634T>A, p.Ser212Thr (NM_001322011.2, NM_001322012.2); c.994T>A, p.Ser332Thr (NM_001322013.2); c.1567T>A, p.Ser523Thr (NM_001322014.2); c.1258T>A, p.Ser420Thr (NM_001322015.2); short protein forms S523T, S417T, S336T, S471T, S212T, S332T, S388T, S420T.
Identifiers: ClinVar variation 127763 (VCV000127763.83), dbSNP rs63751132, ClinGen allele CA009875.